The following is an entry in ClinVar:

NM_000520.6(HEXA):c.127A>G (p.Asn43Asp)

Gene: HEXA (hexosaminidase subunit alpha; minus strand). Cytogenetic location: 15q23.
Variant type: single nucleotide variant.
Coding change: c.127A>G on transcript NM_000520.6 (MANE Select); coding-DNA position 127, A replaced by G.
Protein change: p.Asn43Asp; replaces asparagine 43 with aspartic acid.
Molecular consequence: missense variant. On other transcripts: non-coding transcript variant (1).
Genome position (GRCh38, 1-based): chr15:72,375,846, T>C on the plus strand (A>G on the coding strand, the complement: HEXA is on the minus strand). VCF-style: chr15-72375846-T-C. GRCh37 (hg19) VCF-style: chr15-72668187-T-C.
Other names: c.127A>G, p.Asn43Asp (NM_001318825.2); short protein forms N43D.
Identifiers: ClinVar variation 1523643 (VCV001523643.3), dbSNP rs1567308297, ClinGen allele CA393070483.

ClinVar aggregate classification (germline): Uncertain significance (1 of 4 stars; one submission).

Conditions:
Tay-Sachs disease (TSD). Also called: HEXA DEFICIENCY; HEXA Disorders; GM2 gangliosidosis, type 1; Hexosaminidase alpha-subunit deficiency (variant B); Sphingolipidosis, Tay-Sachs; Hexosaminidase A Deficiency. Identifiers: Orphanet 845, MedGen C0039373, MONDO:0010100, OMIM 272800.

Allele frequency attached by ClinVar (database versions not stated): TOPMed below 0.00001.

Submission:

Labcorp Genetics (formerly Invitae), Labcorp
Classification: Uncertain significance for Tay-Sachs disease. Last evaluated: 2021-09-08. Review status: criteria provided, single submitter. Criteria: Invitae Variant Classification Sherloc (09022015). Collection method: clinical testing. Allele origin: germline.
Comment: This sequence change replaces asparagine with aspartic acid at codon 43 of the HEXA protein (p.Asn43Asp). The asparagine residue is weakly conserved and there is a small physicochemical difference between asparagine and aspartic acid. This variant is not present in population databases (ExAC no frequency). This variant has not been reported in the literature in individuals affected with HEXA-related conditions. Algorithms developed to predict the effect of missense changes on protein structure and function output the following: SIFT: "Tolerated"; PolyPhen-2: "Benign"; Align-GVGD: "Class C0". The aspartic acid amino acid residue is found in multiple mammalian species, which suggests that this missense change does not adversely affect protein function. In summary, the available evidence is currently insufficient to determine the role of this variant in disease. Therefore, it has been classified as a Variant of Uncertain Significance.